The following is an entry in ClinVar:

NM_000168.6(GLI3):c.2104-8C>T

Gene: GLI3 (GLI family zinc finger 3; minus strand). Cytogenetic location: 7p14.1.
Variant type: single nucleotide variant.
Coding change: c.2104-8C>T on transcript NM_000168.6 (MANE Select); 8 bases into the intron before coding-DNA position 2104, C replaced by T.
Molecular consequence: intron variant.
Genome position (GRCh38, 1-based): chr7:41,967,931, G>A on the plus strand (C>T on the coding strand, the complement: GLI3 is on the minus strand). VCF-style: chr7-41967931-G-A. GRCh37 (hg19) VCF-style: chr7-42007529-G-A.
Identifiers: ClinVar variation 514124 (VCV000514124.4), dbSNP rs769769944, ClinGen allele CA4230680.

ClinVar aggregate classification (germline): Likely benign. Review status: criteria provided, multiple submitters, no conflicts (2 of 4 stars). 2 submissions from 2 submitters: Likely benign (2). Last evaluated 2025-10-26.

Conditions:
Greig cephalopolysyndactyly syndrome (GCPS). Also called: POLYSYNDACTYLY WITH PECULIAR SKULL SHAPE; GLI3-Related Greig Cephalopolysyndactyly Syndrome; Greig syndrome. Identifiers: Orphanet 380, MedGen C0265306, MONDO:0008287, OMIM 175700.
Pallister-Hall syndrome (PHS). Also called: GLI3-Related Pallister-Hall Syndrome; HYPOTHALAMIC HAMARTOBLASTOMA, HYPOPITUITARISM, IMPERFORATE ANUS, AND POSTAXIAL POLYDACTYLY. Identifiers: Orphanet 672, MedGen C0265220, MONDO:0007804, OMIM 146510.

Allele frequency attached by ClinVar (database versions not stated): ExAC 0.00002; gnomAD exomes 0.00002; TOPMed 0.00002; gnomAD 0.00003 and 0.00004.
gnomAD v4.1: 36 of 1,612,424 alleles (0.0022%); highest among the groups gnomAD compares: Admixed American, 0.005%; no homozygotes.

Submissions (2):

Labcorp Genetics (formerly Invitae), Labcorp
Classification: Likely benign for Pallister-Hall syndrome; Greig cephalopolysyndactyly syndrome. Last evaluated: 2025-10-26. Review status: criteria provided, single submitter. Criteria: Invitae Variant Classification Sherloc (09022015). Collection method: clinical testing. Allele origin: germline.

GeneDx
Classification: Likely benign. Last evaluated: 2017-12-18. Review status: criteria provided, single submitter. Criteria: GeneDx Variant Classification (06012015). Collection method: clinical testing. Allele origin: germline. Affected: yes.
Comment: This variant is considered likely benign or benign based on one or more of the following criteria: it is a conservative change, it occurs at a poorly conserved position in the protein, it is predicted to be benign by multiple in silico algorithms, and/or has population frequency not consistent with disease.